The following is an entry in ClinVar:

NM_000214.3(JAG1):c.174C>T (p.Ala58=)

Gene: JAG1 (jagged canonical Notch ligand 1; minus strand). Cytogenetic location: 20p12.2.
Variant type: single nucleotide variant.
Coding change: c.174C>T on transcript NM_000214.3 (MANE Select); coding-DNA position 174, C replaced by T.
Protein change: p.Ala58=; no amino-acid change (alanine 58 retained).
Molecular consequence: synonymous variant.
Genome position (GRCh38, 1-based): chr20:10,672,914, G>A on the plus strand (C>T on the coding strand, the complement: JAG1 is on the minus strand). VCF-style: chr20-10672914-G-A. GRCh37 (hg19) VCF-style: chr20-10653562-G-A.
Other names: c.174C>T (NM_000214.2).
Identifiers: ClinVar variation 2043336 (VCV002043336.5), dbSNP rs1396740001, ClinGen allele CA509816930.

ClinVar aggregate classification (germline): Likely benign. Review status: criteria provided, multiple submitters, no conflicts (2 of 4 stars). 2 submissions from 2 submitters: Likely benign (2). Last evaluated 2025-10-19.

Conditions:
JAG1-related disorder. Also called: JAG1-related disorders; JAG1-related condition.
Alagille syndrome due to a JAG1 point mutation. Also called: JAG1-Related Alagille Syndrome; HEPATIC DUCTULAR HYPOPLASIA, SYNDROMATIC; Alagille Syndrome 1. Identifiers: Orphanet 261619, Orphanet 52, MedGen C1956125, MONDO:0016862, OMIM 118450.

Allele frequency attached by ClinVar (database versions not stated): gnomAD exomes below 0.00001.
gnomAD v4.1: 6 of 1,613,160 alleles (0.00037%); highest among the groups gnomAD compares: Non-Finnish European, 0.00051%; no homozygotes.

Submissions (2):

PreventionGenetics, part of Exact Sciences
Classification: Likely benign for JAG1-related condition. Last evaluated: 2025-10-19. Review status: criteria provided, single submitter. Criteria: ACMG Guidelines, 2015. Collection method: clinical testing. Allele origin: germline.
Comment: This variant is classified as likely benign based on ACMG/AMP sequence variant interpretation guidelines (Richards et al. 2015 PMID: 25741868, with internal and published modifications).

Labcorp Genetics (formerly Invitae), Labcorp
Classification: Likely benign for Alagille syndrome due to a JAG1 point mutation. Last evaluated: 2025-03-31. Review status: criteria provided, single submitter. Criteria: Invitae Variant Classification Sherloc (09022015). Collection method: clinical testing. Allele origin: germline.